The following is an entry in ClinVar:

ClinVar aggregate classification (germline): Uncertain significance. Review status: criteria provided, multiple submitters, no conflicts (2 of 4 stars). 2 submissions from 2 submitters: Uncertain significance (2). Last evaluated 2025-11-17.

Allele frequency attached by ClinVar (database versions not stated): gnomAD exomes below 0.00001; TOPMed 0.00001; gnomAD 0.00002.
gnomAD v4.1: 5 of 1,608,714 alleles (0.00031%); highest among the groups gnomAD compares: Non-Finnish European, 0.00043%; no homozygotes.

Submissions (2):

Labcorp Genetics (formerly Invitae), Labcorp
Classification: Uncertain significance. Last evaluated: 2025-11-17. Review status: criteria provided, single submitter. Criteria: Invitae Variant Classification Sherloc (09022015). Collection method: clinical testing. Allele origin: germline.
Comment: This sequence change replaces alanine, which is neutral and non-polar, with threonine, which is neutral and polar, at codon 422 of the DFNA5 protein (p.Ala422Thr). This variant is not present in population databases (gnomAD no frequency). This variant has not been reported in the literature in individuals affected with DFNA5-related conditions. ClinVar contains an entry for this variant (Variation ID: 452856). Invitae Evidence Modeling of protein sequence and biophysical properties (such as structural, functional, and spatial information, amino acid conservation, physicochemical variation, residue mobility, and thermodynamic stability) indicates that this missense variant is not expected to disrupt DFNA5 protein function with a negative predictive value of 80%. In summary, the available evidence is currently insufficient to determine the role of this variant in disease. Therefore, it has been classified as a Variant of Uncertain Significance.

GeneDx
Classification: Uncertain significance. Last evaluated: 2017-10-23. Review status: criteria provided, single submitter. Criteria: GeneDx Variant Classification (06012015). Collection method: clinical testing. Allele origin: germline. Affected: yes.
Comment: The A422T variant in the DFNA5 gene has not been reported previously as a pathogenic variant, nor as a benign variant, to our knowledge. The A422T variant is not observed in large population cohorts (Lek et al., 2016). The A422T variant is a non-conservative amino acid substitution, which is likely to impact secondary protein structure as these residues differ in polarity, charge, size and/or other properties. However, this substitution occurs at a position that is not conserved, and in silico analysis is inconsistent in its predictions as to whether or not the variant is damaging to the protein structure/function. We interpret A422T as a variant of uncertain significance.

NM_001127453.2(GSDME):c.1264G>A (p.Ala422Thr)

Gene: GSDME (gasdermin E; minus strand). Cytogenetic location: 7p15.3.
Variant type: single nucleotide variant.
Coding change: c.1264G>A on transcript NM_001127453.2 (MANE Select); coding-DNA position 1264, G replaced by A.
Protein change: p.Ala422Thr; replaces alanine 422 with threonine.
Molecular consequence: missense variant.
Genome position (GRCh38, 1-based): chr7:24,699,253, C>T on the plus strand (G>A on the coding strand, the complement: GSDME is on the minus strand). VCF-style: chr7-24699253-C-T. GRCh37 (hg19) VCF-style: chr7-24738872-C-T.
Other names: c.772G>A, p.Ala258Thr (NM_001127454.2); c.1264G>A, p.Ala422Thr (NM_004403.3); short protein forms A422T, A258T.
Identifiers: ClinVar variation 452856 (VCV000452856.5), dbSNP rs1420984721, ClinGen allele CA367045195.